The following is an entry in ClinVar:

ClinVar aggregate classification (germline): Likely benign (1 of 4 stars; one submission).

Allele frequency attached by ClinVar (database versions not stated): 1000 Genomes Project 0.00899.

Submission:

CeGaT Center for Human Genetics Tuebingen
Classification: Likely benign. Last evaluated: 2026-01-01. Review status: criteria provided, single submitter. Criteria: CeGaT Center For Human Genetics Tuebingen Variant Classification Criteria Version 2. Collection method: clinical testing. Allele origin: germline. Affected: yes. Observed: 6 variant alleles.
Comment: MUC5B: BP4, BP7

NM_002458.3(MUC5B):c.6156A>G (p.Pro2052=)

Genes: MUC5B (mucin 5B, oligomeric mucus/gel-forming; plus strand), MUC5B-AS1 (MUC5B antisense RNA 1; minus strand). Cytogenetic location: 11p15.5.
Variant type: single nucleotide variant.
Coding change: c.6156A>G on transcript NM_002458.3 (MANE Select); coding-DNA position 6156, A replaced by G.
Protein change: p.Pro2052=; no amino-acid change (proline 2052 retained).
Molecular consequence: synonymous variant.
Genome position (GRCh38, 1-based): chr11:1,243,036, A>G. VCF-style: chr11-1243036-A-G. GRCh37 (hg19) VCF-style: chr11-1264266-A-G.
Identifiers: ClinVar variation 2641213 (VCV002641213.24), dbSNP rs2943504, ClinGen allele CA5805931.